The following is an entry in ClinVar:

ClinVar aggregate classification (germline): Conflicting classifications of pathogenicity. Review status: criteria provided, conflicting classifications (1 of 4 stars). 2 submissions from 2 submitters: Likely pathogenic (1); Uncertain significance (1). Last evaluated 2025-10-09.

Conditions:
Hereditary cancer-predisposing syndrome. Also called: Tumor predisposition; Hereditary neoplastic syndrome; Neoplastic Syndromes, Hereditary; Hereditary Cancer Syndrome. Identifiers: Orphanet 140162, MedGen C0027672, MeSH D009386, MONDO:0015356.

Submissions (2):

Ambry Genetics
Classification: Uncertain significance for Hereditary cancer-predisposing syndrome. Last evaluated: 2025-10-09. Review status: criteria provided, single submitter. Criteria: Ambry Variant Classification Scheme 2023. Collection method: clinical testing. Allele origin: germline.
Comment: The c.1686+1G>A intronic variant results from a G to A substitution one nucleotide after coding exon 15 of the POLE gene. Alterations that disrupt the canonical splice site are expected to result in aberrant splicing. In silico splice site analysis predicts that this alteration will weaken the native splice donor site. A resulting transcript is predicted to be in-frame and is not expected to trigger nonsense-mediated mRNAdecay; although, direct evidence is unavailable. This nucleotide position is highly conserved in available vertebrate species. Based on the available evidence, the clinical significance of this variant remains unclear.

Labcorp Genetics (formerly Invitae), Labcorp
Classification: Likely pathogenic. Last evaluated: 2025-06-05. Review status: criteria provided, single submitter. Criteria: Invitae Variant Classification Sherloc (09022015). Collection method: clinical testing. Allele origin: germline.
Comment: This sequence change affects a donor splice site in intron 15 of the POLE gene. It is expected to disrupt RNA splicing. Variants that disrupt the donor or acceptor splice site typically lead to a loss of protein function (PMID: 16199547), and loss-of-function variants in POLE are known to be pathogenic (PMID: 23230001, 25948378, 30503519). This variant is not present in population databases (gnomAD no frequency). This variant has not been reported in the literature in individuals affected with POLE-related conditions. ClinVar contains an entry for this variant (Variation ID: 2199909). Algorithms developed to predict the effect of sequence changes on RNA splicing suggest that this variant may disrupt the consensus splice site. In summary, the currently available evidence indicates that the variant is pathogenic, but additional data are needed to prove that conclusively. Therefore, this variant has been classified as Likely Pathogenic.

Literature cited by the submitters: PubMed 16199547 (cited by Labcorp Genetics (formerly Invitae), Labcorp); PubMed 23230001 (cited by Labcorp Genetics (formerly Invitae), Labcorp); PubMed 25948378 (cited by Labcorp Genetics (formerly Invitae), Labcorp); PubMed 30503519 (cited by Labcorp Genetics (formerly Invitae), Labcorp).

NM_006231.4(POLE):c.1686+1G>A

Gene: POLE (DNA polymerase epsilon, catalytic subunit; minus strand). Cytogenetic location: 12q24.33.
Variant type: single nucleotide variant.
Coding change: c.1686+1G>A on transcript NM_006231.4 (MANE Select); the canonical splice donor site of the intron after coding-DNA position 1686, G replaced by A.
Molecular consequence: splice donor variant.
Genome position (GRCh38, 1-based): chr12:132,672,626, C>T on the plus strand (G>A on the coding strand, the complement: POLE is on the minus strand). VCF-style: chr12-132672626-C-T. GRCh37 (hg19) VCF-style: chr12-133249212-C-T.
Other names: c.1686+1G>A (NM_006231.2).
Identifiers: ClinVar variation 2199909 (VCV002199909.5), dbSNP rs1555228250, ClinGen allele CA387356437.
Genomic context (GRCh38, chr12:132,672,626, plus strand): 5'-CTTCTGGGTCCTACCACAGCACAAGAGTGGGAAGAATCTGAATCCCAGGGAAGAAGCACA[C>T]CATCCTAAACCGGCAAGGGATATCGCTGCGGAAAACCCCAGACTCGAGGGCCTCCACGTG-3'